The following is an entry in ClinVar:

NM_003024.3(ITSN1):c.361G>A (p.Ala121Thr)

Gene: ITSN1 (intersectin 1; plus strand). Cytogenetic location: 21q22.11.
Variant type: single nucleotide variant.
Coding change: c.361G>A on transcript NM_003024.3 (MANE Select); coding-DNA position 361, G replaced by A.
Protein change: p.Ala121Thr; replaces alanine 121 with threonine.
Molecular consequence: missense variant. On other transcripts: intron variant (1).
Genome position (GRCh38, 1-based): chr21:33,750,157, G>A. VCF-style: chr21-33750157-G-A. GRCh37 (hg19) VCF-style: chr21-35122462-G-A.
Other names: c.361G>A, p.Ala121Thr (NM_001001132.2, NM_001331008.2, NM_001331009.2 and 2 more transcripts); c.347-97G>A (NM_001331012.2); short protein forms A121T.
Identifiers: ClinVar variation 3904946 (VCV003904946.10).

ClinVar aggregate classification (germline): Likely benign (1 of 4 stars; one submission).

gnomAD v4.1: 1,569 of 1,613,856 alleles (0.097%); highest among the groups gnomAD compares: Non-Finnish European, 0.12%; no homozygotes.

Submission:

CeGaT Center for Human Genetics Tuebingen
Classification: Likely benign. Last evaluated: 2025-05-01. Review status: criteria provided, single submitter. Criteria: CeGaT Center For Human Genetics Tuebingen Variant Classification Criteria Version 2. Collection method: clinical testing. Allele origin: germline. Affected: yes. Observed: 1 variant allele.
Comment: ITSN1: BP4